The following is an entry in ClinVar:

ClinVar aggregate classification (germline): Pathogenic. Review status: criteria provided, multiple submitters, no conflicts (2 of 4 stars). 3 submissions from 3 submitters: Pathogenic (3). Last evaluated 2024-03-18.

Conditions:
Glycogen storage disease IXc (GSD9C). Also called: GSD IXc. Identifiers: Orphanet 264580, MedGen C2751643, MONDO:0013091, OMIM 613027.

Allele frequency attached by ClinVar (database versions not stated): gnomAD exomes below 0.00001 and 0.00001; gnomAD 0.00001; TOPMed 0.00001; ESP Exome Variant Server 0.00008.
gnomAD v4.1: 4 of 1,552,772 alleles (0.00026%); highest among the groups gnomAD compares: Non-Finnish European, 0.00035%; no homozygotes.

Submissions (3):

Fulgent Genetics
Classification: Pathogenic for Glycogen storage disease IXc. Last evaluated: 2024-03-18. Review status: criteria provided, single submitter. Criteria: ACMG Guidelines, 2015. Collection method: clinical testing. Allele origin: germline.

Labcorp Genetics (formerly Invitae), Labcorp
Classification: Pathogenic for Glycogen storage disease IXc. Last evaluated: 2023-07-16. Review status: criteria provided, single submitter. Criteria: Invitae Variant Classification Sherloc (09022015). Collection method: clinical testing. Allele origin: germline.
Comment: This premature translational stop signal has been observed in individual(s) with phosphorylase kinase deficiency (PMID: 24389071). For these reasons, this variant has been classified as Pathogenic. ClinVar contains an entry for this variant (Variation ID: 947470). The frequency data for this variant in the population databases is considered unreliable, as metrics indicate poor data quality at this position in the gnomAD database. This sequence change creates a premature translational stop signal (p.Glu8*) in the PHKG2 gene. It is expected to result in an absent or disrupted protein product. Loss-of-function variants in PHKG2 are known to be pathogenic (PMID: 8896567, 17689125, 21646031).

Mendelics
Classification: Pathogenic for Glycogen storage disease IXc. Last evaluated: 2022-05-04. Review status: criteria provided, single submitter. Criteria: Mendelics Assertion Criteria 2019. Collection method: clinical testing. Allele origin: germline.

Literature cited by the submitters: PubMed 24389071 (cited by Labcorp Genetics (formerly Invitae), Labcorp); PubMed 8896567 (cited by Labcorp Genetics (formerly Invitae), Labcorp); PubMed 17689125 (cited by Labcorp Genetics (formerly Invitae), Labcorp); PubMed 21646031 (cited by Labcorp Genetics (formerly Invitae), Labcorp).

NM_000294.3(PHKG2):c.22G>T (p.Glu8Ter)

Gene: PHKG2 (phosphorylase kinase catalytic subunit gamma 2; plus strand). Cytogenetic location: 16p11.2.
Variant type: single nucleotide variant.
Coding change: c.22G>T on transcript NM_000294.3 (MANE Select); coding-DNA position 22, G replaced by T.
Protein change: p.Glu8Ter; replaces glutamic acid 8 with a stop codon.
Molecular consequence: nonsense.
Genome position (GRCh38, 1-based): chr16:30,748,842, G>T. VCF-style: chr16-30748842-G-T. GRCh37 (hg19) VCF-style: chr16-30760163-G-T.
Other names: c.22G>T, p.Glu8Ter (NM_001172432.2); short protein forms E8*.
Identifiers: ClinVar variation 947470 (VCV000947470.11), dbSNP rs375063162, ClinGen allele CA280531872.